The following is an entry in ClinVar:

NM_001172509.2(SATB2):c.76C>G (p.Pro26Ala)

Gene: SATB2 (SATB homeobox 2; minus strand). Cytogenetic location: 2q33.1.
Variant type: single nucleotide variant.
Coding change: c.76C>G on transcript NM_001172509.2 (MANE Select); coding-DNA position 76, C replaced by G.
Protein change: p.Pro26Ala; replaces proline 26 with alanine.
Molecular consequence: missense variant. On other transcripts: non-coding transcript variant (1).
Genome position (GRCh38, 1-based): chr2:199,455,962, G>C on the plus strand (C>G on the coding strand, the complement: SATB2 is on the minus strand). VCF-style: chr2-199455962-G-C. GRCh37 (hg19) VCF-style: chr2-200320685-G-C.
Other names: c.76C>G, p.Pro26Ala (NM_001172517.1, NM_015265.4); short protein forms P26A.
Identifiers: ClinVar variation 1063554 (VCV001063554.9), dbSNP rs1473042227, ClinGen allele CA350388536.
Genomic context (GRCh38, chr2:199,455,962, plus strand): 5'-TCCCGCGGGCTCCCATGGGGCTGCCGTTCTGCTCCAGCCGGGCCACCTTCACTGGGGGAG[G>C]CCCCTTGACGTCCGGGCTGCCGCTCCGCCGGTCGGGGCTGTCCCGCAGACACGGGCTCTC-3'
Protein context (NP_001165980.1, residues 16-36): RRSGSPDVKG[Pro26Ala]PPVKVARLEQ

ClinVar aggregate classification (germline): Uncertain significance (1 of 4 stars; one submission).

Conditions:
Chromosome 2q32-q33 deletion syndrome (GLASS). Also called: Glass syndrome; 2q33.1 deletion syndrome. Identifiers: Orphanet 251019, MedGen C2676739, MONDO:0012864, OMIM 612313.

Allele frequency attached by ClinVar (database versions not stated): gnomAD 0.00001; TOPMed 0.00001.
gnomAD v4.1: 1 of 1,538,502 alleles (0.000065%); highest among the groups gnomAD compares: African/African-American, 0.0014%; no homozygotes.

Submission:

Labcorp Genetics (formerly Invitae), Labcorp
Classification: Uncertain significance for Chromosome 2q32-q33 deletion syndrome. Last evaluated: 2020-10-19. Review status: criteria provided, single submitter. Criteria: Invitae Variant Classification Sherloc (09022015). Collection method: clinical testing. Allele origin: germline.
Comment: In summary, the available evidence is currently insufficient to determine the role of this variant in disease. Therefore, it has been classified as a Variant of Uncertain Significance. Advanced modeling of protein sequence and biophysical properties (such as structural, functional, and spatial information, amino acid conservation, physicochemical variation, residue mobility, and thermodynamic stability) performed at Invitae indicates that this missense variant is not expected to disrupt SATB2 protein function. This variant has not been reported in the literature in individuals with SATB2-related conditions. The frequency data for this variant in the population databases is considered unreliable, as metrics indicate insufficient coverage at this position in the ExAC database. This sequence change replaces proline with alanine at codon 26 of the SATB2 protein (p.Pro26Ala). The proline residue is moderately conserved and there is a small physicochemical difference between proline and alanine.